The following is an entry in ClinVar:

NM_025132.4(WDR19):c.910G>A (p.Val304Ile)

Gene: WDR19 (WD repeat domain 19; plus strand). Cytogenetic location: 4p14.
Variant type: single nucleotide variant.
Coding change: c.910G>A on transcript NM_025132.4 (MANE Select); coding-DNA position 910, G replaced by A.
Protein change: p.Val304Ile; replaces valine 304 with isoleucine.
Molecular consequence: missense variant.
Genome position (GRCh38, 1-based): chr4:39,214,620, G>A. VCF-style: chr4-39214620-G-A. GRCh37 (hg19) VCF-style: chr4-39216240-G-A.
Other names: p.Val304Ile; c.430G>A, p.Val144Ile (NM_001317924.2); short protein forms V304I, V144I.
Identifiers: ClinVar variation 261868 (VCV000261868.31), dbSNP rs75964850, ClinGen allele CA2891742.

ClinVar aggregate classification (germline): Benign/Likely benign. Review status: criteria provided, multiple submitters, no conflicts (2 of 4 stars). 15 submissions from 11 submitters: Benign (12); Likely benign (1). 2 of the submissions do not count toward it. Last evaluated 2026-02-02.

Conditions:
Connective tissue disorder. Also called: Connective tissue disease. Identifiers: MedGen C0009782, MONDO:0003900.
Senior-Loken syndrome 8 (SLSN8). Identifiers: Orphanet 3156, MedGen C4225376, MONDO:0014579, OMIM 616307.
Asphyxiating thoracic dystrophy 5 (SRTD5). Also called: SHORT-RIB THORACIC DYSPLASIA 5 WITH OR WITHOUT POLYDACTYLY; SHORT-RIB THORACIC DYSPLASIA 5 WITHOUT POLYDACTYLY. Identifiers: Orphanet 474, MedGen C3280598, MONDO:0013717, OMIM 614376.
Cranioectodermal dysplasia 4 (CED4). Identifiers: Orphanet 1515, MedGen C3280616, MONDO:0013719, OMIM 614378.
Nephronophthisis 13 (NPHP13). Identifiers: Orphanet 655, MedGen C3280612, MONDO:0013718, OMIM 614377.

Allele frequency attached by ClinVar (database versions not stated): 1000 Genomes Project 0.03095; 1000 Genomes Project 30x 0.03217; gnomAD exomes 0.03362 and 0.03371; ExAC 0.03446; TOPMed 0.03899; gnomAD 0.03915 and 0.03961; ESP Exome Variant Server 0.04231.
gnomAD v4.1: 53,654 of 1,564,718 alleles (3.4%); highest among the groups gnomAD compares: Middle Eastern, 6%; 1,050 homozygotes.

Submissions (15):

Labcorp Genetics (formerly Invitae), Labcorp
Classification: Benign for Senior-Loken syndrome 8; Asphyxiating thoracic dystrophy 5. Last evaluated: 2026-02-02. Review status: criteria provided, single submitter. Criteria: Invitae Variant Classification Sherloc (09022015). Collection method: clinical testing. Allele origin: germline.

CeGaT Center for Human Genetics Tuebingen
Classification: Benign. Last evaluated: 2025-03-01. Review status: criteria provided, single submitter. Criteria: CeGaT Center For Human Genetics Tuebingen Variant Classification Criteria Version 2. Collection method: clinical testing. Allele origin: germline. Affected: yes. Observed: 1 variant allele.
Comment: WDR19: BP4, BS1, BS2

Blueprint Genetics
Classification: Likely benign. Last evaluated: 2024-11-26. Review status: criteria provided, single submitter. Criteria: ACMG Guidelines, 2015. Collection method: clinical testing. Allele origin: germline.

Mayo Clinic Laboratories, Mayo Clinic
Classification: Benign. Last evaluated: 2024-09-10. Review status: criteria provided, single submitter. Criteria: ACMG Guidelines, 2015. Collection method: clinical testing. Allele origin: germline. Observed: 13 variant alleles.
Comment: BA1, BS2, BP4

Genome Diagnostics Laboratory, The Hospital for Sick Children
Classification: Benign for Connective tissue disorder. Last evaluated: 2022-06-17. Review status: criteria provided, single submitter. Criteria: ACMG Guidelines, 2015. Collection method: clinical testing. Allele origin: germline.

Genome-Nilou Lab
Classification: Benign for Cranioectodermal dysplasia 4. Last evaluated: 2021-12-05. Review status: criteria provided, single submitter. Criteria: ACMG Guidelines, 2015. Collection method: clinical testing. Allele origin: germline. Affected: no.

Genome-Nilou Lab
Classification: Benign for Nephronophthisis 13. Last evaluated: 2021-12-05. Review status: criteria provided, single submitter. Criteria: ACMG Guidelines, 2015. Collection method: clinical testing. Allele origin: germline. Affected: no.

Genome-Nilou Lab
Classification: Benign for Senior-Loken syndrome 8. Last evaluated: 2021-12-05. Review status: criteria provided, single submitter. Criteria: ACMG Guidelines, 2015. Collection method: clinical testing. Allele origin: germline. Affected: no.

Genome-Nilou Lab
Classification: Benign for Asphyxiating thoracic dystrophy 5. Last evaluated: 2021-12-05. Review status: criteria provided, single submitter. Criteria: ACMG Guidelines, 2015. Collection method: clinical testing. Allele origin: germline. Affected: no.

Illumina Laboratory Services, Illumina
Classification: Benign for Cranioectodermal dysplasia 4. Last evaluated: 2018-01-13. Review status: criteria provided, single submitter. Criteria: ICSL Variant Classification Criteria 13 December 2019. Collection method: clinical testing. Allele origin: germline.
Comment: This variant was observed in the ICSL laboratory as part of a predisposition screen in an ostensibly healthy population. It had not been previously curated by ICSL or reported in the Human Gene Mutation Database (HGMD: prior to June 1st, 2018), and was therefore a candidate for classification through an automated scoring system. Utilizing variant allele frequency, disease prevalence and penetrance estimates, and inheritance mode, an automated score was calculated to assess if this variant is too frequent to cause the disease. Based on the score and internal cut-off values, a variant classified as benign is not then subjected to further curation. The score for this variant resulted in a classification of benign for this disease.

Illumina Laboratory Services, Illumina
Classification: Benign for Asphyxiating thoracic dystrophy 5. Last evaluated: 2018-01-13. Review status: criteria provided, single submitter. Criteria: ICSL Variant Classification Criteria 13 December 2019. Collection method: clinical testing. Allele origin: germline.
Comment: the same text as in the submission from Illumina Laboratory Services, Illumina above.

Breakthrough Genomics
Classification: Benign. Review status: criteria provided, single submitter. Criteria: ACMG Guidelines, 2015. Collection method: not provided. Allele origin: germline. Inheritance: Autosomal recessive inheritance. Affected: yes.

PreventionGenetics, part of Exact Sciences
Classification: Benign. Review status: criteria provided, single submitter. Criteria: ACMG Guidelines, 2015. Collection method: clinical testing. Allele origin: germline.

Clinical Genetics DNA and cytogenetics Diagnostics Lab, Erasmus MC, Erasmus Medical Center
Classification: Benign. Review status: no assertion criteria provided. Collection method: clinical testing. Allele origin: germline. Affected: yes. Study: VKGL Data-share Consensus. Not counted in ClinVar's aggregate classification.

Genome Diagnostics Laboratory, University Medical Center Utrecht
Classification: Benign. Review status: no assertion criteria provided. Collection method: clinical testing. Allele origin: germline. Affected: yes. Study: VKGL Data-share Consensus. Not counted in ClinVar's aggregate classification.

Literature cited by the submitters: PubMed 31308072 (cited by Mayo Clinic Laboratories, Mayo Clinic).